The following is an entry in ClinVar:

NM_000059.4(BRCA2):c.8099dup (p.Ser2701fs)

Gene: BRCA2 (BRCA2 DNA repair associated; plus strand). Cytogenetic location: 13q13.1.
Variant type: Duplication.
Coding change: c.8099dup on transcript NM_000059.4 (MANE Select); coding-DNA position 8099, one base duplicated (T; older notation c.8099dupT).
Protein change: p.Ser2701fs; shifts the reading frame from serine 2701.
Molecular consequence: frameshift variant. On other transcripts: non-coding transcript variant (1).
Genome position (GRCh38, 1-based): chr13:32,363,301, T duplicated. VCF-style (leftmost placement, unchanged base first): chr13-32363300-A-AT. GRCh37 (hg19) VCF-style: chr13-32937437-A-AT.
Other names: c.8003dup, p.Ser2669fs (NM_001406719.1); c.8099dup, p.Ser2701fs (NM_001406720.1); c.3167dup, p.Ser1057fs (NM_001406721.1); c.1682dup, p.Ser562fs (NM_001406722.1); short protein forms S1057fs, S2669fs, S562fs, S2701fs.
Identifiers: ClinVar variation 2860171 (VCV002860171.3), dbSNP rs2548546405, ClinGen allele CA2739277542.

ClinVar aggregate classification (germline): Pathogenic (1 of 4 stars; one submission).

Conditions:
Hereditary breast ovarian cancer syndrome. Also called: Hereditary breast and ovarian cancer syndrome (HBOC); Hereditary breast and ovarian cancer syndrome; Hereditary breast and/or ovarian cancer syndrome; Hereditary breast and ovarian cancer; Breast and ovarian cancer; BRCA1- and BRCA2-Associated Hereditary Breast and Ovarian Cancer. Identifiers: Orphanet 145, MedGen C0677776, MeSH D061325, MONDO:0003582. Disease mechanism: loss of function.

Submission:

Labcorp Genetics (formerly Invitae), Labcorp
Classification: Pathogenic for Hereditary breast ovarian cancer syndrome. Last evaluated: 2023-07-27. Review status: criteria provided, single submitter. Criteria: Invitae Variant Classification Sherloc (09022015). Collection method: clinical testing. Allele origin: germline.
Comment: This variant is not present in population databases (gnomAD no frequency). For these reasons, this variant has been classified as Pathogenic. This variant has not been reported in the literature in individuals affected with BRCA2-related conditions. This sequence change creates a premature translational stop signal (p.Ser2701Ilefs*2) in the BRCA2 gene. It is expected to result in an absent or disrupted protein product. Loss-of-function variants in BRCA2 are known to be pathogenic (PMID: 20104584).

Literature cited by the submitters: PubMed 20104584.